The following is an entry in ClinVar:

NM_000540.3(RYR1):c.9603G>A (p.Met3201Ile)

Gene: RYR1 (ryanodine receptor 1; plus strand). Cytogenetic location: 19q13.2.
Variant type: single nucleotide variant.
Coding change: c.9603G>A on transcript NM_000540.3 (MANE Select); coding-DNA position 9603, G replaced by A.
Protein change: p.Met3201Ile; replaces methionine 3201 with isoleucine.
Molecular consequence: missense variant.
Genome position (GRCh38, 1-based): chr19:38,516,135, G>A. VCF-style: chr19-38516135-G-A. GRCh37 (hg19) VCF-style: chr19-39006775-G-A.
Other names: c.9603G>A, p.Met3201Ile (NM_001042723.2); short protein forms M3201I.
Identifiers: ClinVar variation 579187 (VCV000579187.9), dbSNP rs373611044, ClinGen allele CA084698.

ClinVar aggregate classification (germline): Uncertain significance. Review status: criteria provided, multiple submitters, no conflicts (2 of 4 stars). 2 submissions from 2 submitters: Uncertain significance (2). Last evaluated 2025-07-23.

Conditions:
Central core myopathy (CMYO1A). Also called: CONGENITAL MYOPATHY 1A, AUTOSOMAL DOMINANT, WITH SUSCEPTIBILITY TO MALIGNANT HYPERTHERMIA; Central core disease; Myopathy, central fibrillar. Identifiers: Orphanet 597, MedGen C5830701, MONDO:0007294, OMIM 117000.
King Denborough syndrome (KDS). Identifiers: MedGen C1840365, MONDO:0020485, OMIM 619542.
Malignant hyperthermia, susceptibility to, 1 (MHS1). Also called: Malignant hyperthermia suceptibility 1; RYR1-Related Malignant Hyperthermia Susceptibility; Anesthesia related hyperthermia; Malignant hyperpyrexia; Fulminating hyperpyrexia; Pharmacogenic myopathy. Identifiers: Orphanet 423, MedGen C2930980, MONDO:0007783, OMIM 145600.
Congenital multicore myopathy with external ophthalmoplegia (CMYO1B). Also called: Minicore myopathy with external ophthalmoplegia; MULTIMINICORE DISEASE WITH EXTERNAL OPHTHALMOPLEGIA; Congenital myopathy 1B, autosomal recessive; Minicore myopathy; MULTICORE MYOPATHY. Identifiers: Orphanet 598, Orphanet 98905, MedGen C1850674, MONDO:0009712, OMIM 255320, HP:0003789.
Congenital myopathy with fiber type disproportion. Also called: Congenital fiber-type disproportion; Congenital fiber-type disproportion myopathy. Identifiers: Orphanet 2020, MedGen C0546264, MONDO:0009711. Inheritance: all.
RYR1-related disorder. Also called: RYR1-related disorders; RYR1-related condition. Identifiers: MedGen CN239331.

Submissions (2):

Labcorp Genetics (formerly Invitae), Labcorp
Classification: Uncertain significance for RYR1-related disorder. Last evaluated: 2025-07-23. Review status: criteria provided, single submitter. Criteria: Invitae Variant Classification Sherloc (09022015). Collection method: clinical testing. Allele origin: germline.
Comment: This sequence change replaces methionine, which is neutral and non-polar, with isoleucine, which is neutral and non-polar, at codon 3201 of the RYR1 protein (p.Met3201Ile). This variant is not present in population databases (gnomAD no frequency). This variant has not been reported in the literature in individuals affected with RYR1-related conditions. ClinVar contains an entry for this variant (Variation ID: 579187). Invitae Evidence Modeling of protein sequence and biophysical properties (such as structural, functional, and spatial information, amino acid conservation, physicochemical variation, residue mobility, and thermodynamic stability) indicates that this missense variant is not expected to disrupt RYR1 protein function with a negative predictive value of 80%. In summary, the available evidence is currently insufficient to determine the role of this variant in disease. Therefore, it has been classified as a Variant of Uncertain Significance.

Fulgent Genetics
Classification: Uncertain significance for Central core myopathy; Malignant hyperthermia, susceptibility to, 1; Congenital myopathy 4A, autosomal dominant; Congenital multicore myopathy with external ophthalmoplegia; King Denborough syndrome. Last evaluated: 2021-09-28. Review status: criteria provided, single submitter. Criteria: ACMG Guidelines, 2015. Collection method: clinical testing. Allele origin: unknown.